The following is an entry in ClinVar:

NM_001292063.2(OTOG):c.21G>A (p.Ala7=)

Gene: OTOG (otogelin; plus strand). Cytogenetic location: 11p15.1.
Variant type: single nucleotide variant.
Coding change: c.21G>A on transcript NM_001292063.2 (MANE Select); coding-DNA position 21, G replaced by A.
Protein change: p.Ala7=; no amino-acid change (alanine 7 retained).
Molecular consequence: synonymous variant.
Genome position (GRCh38, 1-based): chr11:17,547,393, G>A. VCF-style: chr11-17547393-G-A. GRCh37 (hg19) VCF-style: chr11-17568940-G-A.
Other names: c.21G>A, p.Ala7= (NM_001277269.2).
Identifiers: ClinVar variation 504776 (VCV000504776.18), dbSNP rs149500671, ClinGen allele CA5905307.

ClinVar aggregate classification (germline): Benign/Likely benign. Review status: criteria provided, multiple submitters, no conflicts (2 of 4 stars). 5 submissions from 5 submitters: Benign (4); Likely benign (1). Last evaluated 2026-01-08.

Allele frequency attached by ClinVar (database versions not stated): gnomAD exomes 0.00051 and 0.00097; gnomAD 0.00634 and 0.00685; 1000 Genomes Project 0.00739; TOPMed 0.00755; 1000 Genomes Project 30x 0.00765; ExAC 0.00794.
gnomAD v4.1: 1,667 of 1,416,752 alleles (0.12%); highest among the groups gnomAD compares: African/African-American, 2.1%; 16 homozygotes.

Submissions (5):

Labcorp Genetics (formerly Invitae), Labcorp
Classification: Benign. Last evaluated: 2026-01-08. Review status: criteria provided, single submitter. Criteria: Invitae Variant Classification Sherloc (09022015). Collection method: clinical testing. Allele origin: germline.

Blueprint Genetics
Classification: Likely benign. Last evaluated: 2024-11-06. Review status: criteria provided, single submitter. Criteria: ACMG Guidelines, 2015. Collection method: clinical testing. Allele origin: germline.

GeneDx
Classification: Benign. Last evaluated: 2019-02-18. Review status: criteria provided, single submitter. Criteria: GeneDx Variant Classification Process June 2021. Collection method: clinical testing. Allele origin: germline. Affected: yes.

Laboratory for Molecular Medicine, Mass General Brigham Personalized Medicine
Classification: Benign. Last evaluated: 2014-11-24. Review status: criteria provided, single submitter. Criteria: LMM Criteria. Collection method: clinical testing. Allele origin: germline. Observed: 4 variant alleles.
Comment: Ala7Ala in exon 1 of OTOG: This variant is not expected to have clinical signifi cance because it does not alter an amino acid residue and is not located within the splice consensus sequence. It has been identified in 2.6% (5/194) of Luhya ( Kenyan) chromosomes from a broad population by the 1000 Genomes Project (dbSNP rs149500671).

Breakthrough Genomics
Classification: Benign. Review status: criteria provided, single submitter. Criteria: ACMG Guidelines, 2015. Collection method: not provided. Allele origin: germline. Inheritance: Autosomal recessive inheritance. Affected: yes.